The following is an entry in ClinVar:

NM_001184.4(ATR):c.6259A>G (p.Met2087Val)

Gene: ATR (ATR checkpoint kinase; minus strand). Cytogenetic location: 3q23.
Variant type: single nucleotide variant.
Coding change: c.6259A>G on transcript NM_001184.4 (MANE Select); coding-DNA position 6259, A replaced by G.
Protein change: p.Met2087Val; replaces methionine 2087 with valine.
Molecular consequence: missense variant.
Genome position (GRCh38, 1-based): chr3:142,470,146, T>C on the plus strand (A>G on the coding strand, the complement: ATR is on the minus strand). VCF-style: chr3-142470146-T-C. GRCh37 (hg19) VCF-style: chr3-142188988-T-C.
Other names: c.6067A>G, p.Met2023Val (NM_001354579.2); short protein forms M2087V, M2023V.
Identifiers: ClinVar variation 343586 (VCV000343586.8), dbSNP rs757353909, ClinGen allele CA2649375.
Genomic context (GRCh38, chr3:142,470,146, plus strand): 5'-CTTTTTCCCATTCATATGCCTTTGTACCATAATCAAGCCATAGAGTTAACATTCGTGGCA[T>C]TGACTGATATATGAACTGATTTCCATATTGTAGAGATCTGCAATTATATAGACAAGAAAC-3'
Protein context (NP_001175.2, residues 2077-2097): QYGNQFIYQS[Met2087Val]PRMLTLWLDY

ClinVar aggregate classification (germline): Uncertain significance. Review status: criteria provided, multiple submitters, no conflicts (2 of 4 stars). 5 submissions from 4 submitters: Uncertain significance (5). Last evaluated 2025-06-09.

Conditions:
Familial cutaneous telangiectasia and oropharyngeal predisposition cancer syndrome. Identifiers: Orphanet 313846, MedGen C3281203, MONDO:0013806, OMIM 614564.
Seckel syndrome 1 (SCKL1). Also called: MICROCEPHALIC PRIMORDIAL DWARFISM I. Identifiers: Orphanet 808, MedGen C4551474, MONDO:0008869, OMIM 210600.

Allele frequency attached by ClinVar (database versions not stated): gnomAD exomes below 0.00001 and 0.00002; TOPMed below 0.00001; ExAC 0.00001; gnomAD 0.00001.

Submissions (5):

Labcorp Genetics (formerly Invitae), Labcorp
Classification: Uncertain significance. Last evaluated: 2025-06-09. Review status: criteria provided, single submitter. Criteria: Invitae Variant Classification Sherloc (09022015). Collection method: clinical testing. Allele origin: germline.
Comment: This sequence change replaces methionine, which is neutral and non-polar, with valine, which is neutral and non-polar, at codon 2087 of the ATR protein (p.Met2087Val). This variant is present in population databases (rs757353909, gnomAD 0.003%). This variant has not been reported in the literature in individuals affected with ATR-related conditions. ClinVar contains an entry for this variant (Variation ID: 343586). An algorithm developed to predict the effect of missense changes on protein structure and function (PolyPhen-2) suggests that this variant is likely to be disruptive. In summary, the available evidence is currently insufficient to determine the role of this variant in disease. Therefore, it has been classified as a Variant of Uncertain Significance.

Genome-Nilou Lab
Classification: Uncertain significance for Seckel syndrome 1. Last evaluated: 2023-02-08. Review status: criteria provided, single submitter. Criteria: ACMG Guidelines, 2015. Collection method: clinical testing. Allele origin: germline.

Genome-Nilou Lab
Classification: Uncertain significance for Familial cutaneous telangiectasia and oropharyngeal predisposition cancer syndrome. Last evaluated: 2023-02-08. Review status: criteria provided, single submitter. Criteria: ACMG Guidelines, 2015. Collection method: clinical testing. Allele origin: germline.

Mendelics
Classification: Uncertain significance for Seckel syndrome 1. Last evaluated: 2019-05-28. Review status: criteria provided, single submitter. Criteria: Mendelics Assertion Criteria 2017. Collection method: clinical testing. Allele origin: unknown.

Illumina Laboratory Services, Illumina
Classification: Uncertain significance for Seckel syndrome 1. Last evaluated: 2018-01-13. Review status: criteria provided, single submitter. Criteria: ICSL Variant Classification Criteria 13 December 2019. Collection method: clinical testing. Allele origin: germline.